The following is an entry in ClinVar:

NM_004100.5(EYA4):c.1766T>C (p.Met589Thr)

Genes: EYA4 (EYA transcriptional coactivator and phosphatase 4; plus strand), TARID (TCF21 antisense RNA inducing promoter demethylation; minus strand). Cytogenetic location: 6q23.2.
Variant type: single nucleotide variant.
Coding change: c.1766T>C on transcript NM_004100.5 (MANE Select); coding-DNA position 1766, T replaced by C.
Protein change: p.Met589Thr; replaces methionine 589 with threonine.
Molecular consequence: missense variant. On other transcripts: intron variant (3).
Genome position (GRCh38, 1-based): chr6:133,525,181, T>C. VCF-style: chr6-133525181-T-C. GRCh37 (hg19) VCF-style: chr6-133846319-T-C.
Other names: c.1784T>C, p.Met595Thr (NM_001301013.2); c.1622T>C, p.Met541Thr (NM_001370459.1); c.1697T>C, p.Met566Thr (NM_172103.4); c.1839+66T>C (NM_172105.4); c.1770+66T>C (NM_001370458.1); c.1677+66T>C (NM_001301012.2); short protein forms M541T, M595T, M566T, M589T.
Identifiers: ClinVar variation 2996727 (VCV002996727.4), dbSNP rs1312770858, ClinGen allele CA365700576.

ClinVar aggregate classification (germline): Uncertain significance. Review status: criteria provided, multiple submitters, no conflicts (2 of 4 stars). 2 submissions from 2 submitters: Uncertain significance (2). Last evaluated 2023-11-07.

Conditions:
Dilated cardiomyopathy 1J (CMD1J). Also called: CARDIOMYOPATHY, DILATED, WITH SENSORINEURAL HEARING LOSS, AUTOSOMAL DOMINANT. Identifiers: Orphanet 217622, MedGen C1854368, MONDO:0011541, OMIM 605362.

Allele frequency attached by ClinVar (database versions not stated): gnomAD exomes below 0.00001; TOPMed below 0.00001; gnomAD 0.00001.
gnomAD v4.1: 2 of 1,613,656 alleles (0.00012%); highest among the groups gnomAD compares: Non-Finnish European, 0.00017%; no homozygotes.

Submissions (2):

Labcorp Genetics (formerly Invitae), Labcorp
Classification: Uncertain significance for Dilated cardiomyopathy 1J. Last evaluated: 2023-11-07. Review status: criteria provided, single submitter. Criteria: Invitae Variant Classification Sherloc (09022015). Collection method: clinical testing. Allele origin: germline.
Comment: This sequence change replaces methionine, which is neutral and non-polar, with threonine, which is neutral and polar, at codon 589 of the EYA4 protein (p.Met589Thr). This variant is not present in population databases (gnomAD no frequency). This variant has not been reported in the literature in individuals affected with EYA4-related conditions. Advanced modeling of protein sequence and biophysical properties (such as structural, functional, and spatial information, amino acid conservation, physicochemical variation, residue mobility, and thermodynamic stability) performed at Invitae indicates that this missense variant is not expected to disrupt EYA4 protein function with a negative predictive value of 80%. In summary, the available evidence is currently insufficient to determine the role of this variant in disease. Therefore, it has been classified as a Variant of Uncertain Significance.

Blueprint Genetics
Classification: Uncertain significance. Last evaluated: 2023-03-21. Review status: criteria provided, single submitter. Criteria: ACMG Guidelines, 2015. Collection method: clinical testing. Allele origin: germline.